The following continues an entry in ClinVar:

NM_000492.4(CFTR):c.1646G>A (p.Ser549Asn)

ClinVar aggregate classification (germline): Pathogenic; drug response. Pathogenic (1).

Submissions 25 to 28 of 28:

Neuberg Centre For Genomic Medicine, NCGM
Classification: Pathogenic for Cystic fibrosis. Review status: criteria provided, single submitter. Criteria: ACMG Guidelines, 2015. Collection method: clinical testing. Allele origin: germline. Inheritance: Autosomal recessive inheritance. Affected: yes. Not counted in ClinVar's aggregate classification.
Comment: The c.1646G>A (p.Ser549Asn) missense variant in CFTR gene has been reported in individuals affected with cystic fibrosis, and is associated with pancreatic insufficiency (Ooi CY, Durie PR., 2015; Sharma et al., 2015). Experimental studies have shown that this variant causes defective channel gating, resulting in decreased chloride conductance (Sharma et al., 2015). This variant is reported with the allele frequency (0.008%) in the gnomAD and novel in 1000 genome database. This variant has been reported to the ClinVar database as Pathogenic. The amino acid Ser at position 549 is changed to a Asn changing protein sequence and it might alter its composition and physico-chemical properties. The amino acid change p.Ser549Asn in CFTR is predicted as conserved by GERP++ and PhyloP across 100 vertebrates. For these reasons, this variant has been classified as Pathogenic.

OMIM
Classification: Pathogenic for CYSTIC FIBROSIS. Last evaluated: 1990-07-26. Review status: no assertion criteria provided. Collection method: literature only. Allele origin: germline. Not counted in ClinVar's aggregate classification.

Diagnostic Laboratory, Department of Genetics, University Medical Center Groningen
Classification: Pathogenic. Review status: no assertion criteria provided. Collection method: clinical testing. Allele origin: germline. Affected: yes. Study: VKGL Data-share Consensus. Not counted in ClinVar's aggregate classification.

Joint Genome Diagnostic Labs from Nijmegen and Maastricht, Radboudumc and MUMC+
Classification: Pathogenic. Review status: no assertion criteria provided. Collection method: clinical testing. Allele origin: germline. Affected: yes. Study: VKGL Data-share Consensus. Not counted in ClinVar's aggregate classification.

Literature cited by the submitters: PubMed 22293084 (cited by ClinPGx and Labcorp Genetics (formerly Invitae), Labcorp); PubMed 23027855 (cited by ClinPGx and Quest Diagnostics Nichols Institute San Juan Capistrano); PubMed 24081349 (cited by ClinPGx and Quest Diagnostics Nichols Institute San Juan Capistrano); PubMed 25266159 (cited by ClinPGx); PubMed 28371569 (cited by ClinPGx); PubMed 1695717 (cited by 6 submitters); PubMed 1721624 (cited by Labcorp Genetics (formerly Invitae), Labcorp); PubMed 7544319 (cited by Labcorp Genetics (formerly Invitae), Labcorp); PubMed 22658665 (cited by Labcorp Genetics (formerly Invitae), Labcorp and Quest Diagnostics Nichols Institute San Juan Capistrano); PubMed 23974870 (cited by 4 submitters); PubMed 24440181 (cited by Labcorp Genetics (formerly Invitae), Labcorp and Quest Diagnostics Nichols Institute San Juan Capistrano); PubMed 25042876 (cited by Labcorp Genetics (formerly Invitae), Labcorp and Quest Diagnostics Nichols Institute San Juan Capistrano); PubMed 29360847 (cited by Labcorp Genetics (formerly Invitae), Labcorp and Quest Diagnostics Nichols Institute San Juan Capistrano); PubMed 30888834 (cited by Natera, Inc.); PubMed 30134826 (cited by Natera, Inc.); PubMed 7680378 (cited by Ambry Genetics); PubMed 10798368 (cited by Quest Diagnostics Nichols Institute San Juan Capistrano and Women's Health and Genetics/Laboratory Corporation of America, LabCorp); PubMed 15371903 (cited by Quest Diagnostics Nichols Institute San Juan Capistrano and Women's Health and Genetics/Laboratory Corporation of America, LabCorp); PubMed 18456578 (cited by Quest Diagnostics Nichols Institute San Juan Capistrano and Myriad Genetics, Inc.); PubMed 23951356 (cited by Quest Diagnostics Nichols Institute San Juan Capistrano); PubMed 24958810 (cited by Quest Diagnostics Nichols Institute San Juan Capistrano); PubMed 26708955 (cited by Quest Diagnostics Nichols Institute San Juan Capistrano and Women's Health and Genetics/Laboratory Corporation of America, LabCorp); PubMed 29261177 (cited by Quest Diagnostics Nichols Institute San Juan Capistrano); PubMed 32429104 (cited by Quest Diagnostics Nichols Institute San Juan Capistrano); PubMed 7550243 (cited by Women's Health and Genetics/Laboratory Corporation of America, LabCorp); PubMed 7573058 (cited by Women's Health and Genetics/Laboratory Corporation of America, LabCorp); PubMed 7539080 (cited by Women's Health and Genetics/Laboratory Corporation of America, LabCorp); PubMed 7506096 (cited by Women's Health and Genetics/Laboratory Corporation of America, LabCorp); PubMed 2236053 (cited by Women's Health and Genetics/Laboratory Corporation of America, LabCorp); PubMed 1283148 (cited by Women's Health and Genetics/Laboratory Corporation of America, LabCorp).